The following is an entry in ClinVar:

ClinVar aggregate classification (germline): Pathogenic (1 of 4 stars; one submission).

Conditions:
Neurofibromatosis, type 1 (NF1). Also called: VON RECKLINGHAUSEN DISEASE; NEUROFIBROMATOSIS, TYPE I, SOMATIC; Peripheral type neurofibromatosis; Neurofibromatosis, type I. Identifiers: Orphanet 636, MedGen C0027831, MONDO:0018975, OMIM 162200. Disease mechanism: loss of function.

Submission:

Labcorp Genetics (formerly Invitae), Labcorp
Classification: Pathogenic for Neurofibromatosis, type 1. Last evaluated: 2019-11-13. Review status: criteria provided, single submitter. Criteria: Invitae Variant Classification Sherloc (09022015). Collection method: clinical testing. Allele origin: germline.
Comment: For these reasons, this variant has been classified as Pathogenic. Loss-of-function variants in NF1 are known to be pathogenic (PMID: 10712197, 23913538). Algorithms developed to predict the effect of sequence changes on RNA splicing suggest that this variant may create or strengthen a splice site, but this prediction has not been confirmed by published transcriptional studies. This variant has not been reported in the literature in individuals with NF1-related conditions. This variant is not present in population databases (ExAC no frequency). This sequence change creates a premature translational stop signal (p.Asp2453Valfs*15) in the NF1 gene. It is expected to result in an absent or disrupted protein product.

Literature cited by the submitters: PubMed 10712197; PubMed 23913538.

NM_001042492.3(NF1):c.7421del (p.Asp2474fs)

Gene: NF1 (neurofibromin 1; plus strand). Cytogenetic location: 17q11.2.
Variant type: Deletion.
Coding change: c.7421del on transcript NM_001042492.3 (MANE Select); coding-DNA position 7421, one base deleted (A; older notation c.7421delA).
Protein change: p.Asp2474fs; shifts the reading frame from aspartic acid 2474.
Molecular consequence: frameshift variant.
Genome position (GRCh38, 1-based): chr17:31,350,282, A deleted. VCF-style (leftmost placement, unchanged base first): chr17-31350281-GA-G. GRCh37 (hg19) VCF-style: chr17-29677299-GA-G.
Other names: c.7358delA, p.Asp2453Valfs (NM_000267.4); short protein forms D2453fs, D2474fs.
Identifiers: ClinVar variation 971721 (VCV000971721.6), dbSNP rs2070107315, ClinGen allele CA1139665475.
Genomic context (GRCh38, chr17:31,350,281, plus strand): 5'-AGCCTAAAACATAGAAAGTCACTTCTTCTTACTGATATTTCAATGGAAAATGTTCCTATG[GA>G]TACATATCCCATTCATCATGGTGACCCTTCCTATAGGTAAGTGGATTTACTCTCCTATAA-3'